The following is an entry in ClinVar:

ClinVar aggregate classification (germline): Uncertain significance. Review status: criteria provided, multiple submitters, no conflicts (2 of 4 stars). 2 submissions from 2 submitters: Uncertain significance (2). Last evaluated 2026-03-19.

gnomAD v4.1: 1 of 1,166,580 alleles (0.000086%); highest among the groups gnomAD compares: Non-Finnish European, 0.00011%; no homozygotes.

Submissions (2):

GeneDx
Classification: Uncertain significance. Last evaluated: 2026-03-19. Review status: criteria provided, single submitter. Criteria: GeneDx Variant Classification Process June 2021. Collection method: clinical testing. Allele origin: germline.
Comment: Not observed at significant frequency in large population cohorts (gnomAD); In silico analysis suggests that this missense variant does not alter protein structure/function; Has not been previously published as pathogenic or benign to our knowledge

Labcorp Genetics (formerly Invitae), Labcorp
Classification: Uncertain significance. Last evaluated: 2023-11-05. Review status: criteria provided, single submitter. Criteria: Invitae Variant Classification Sherloc (09022015). Collection method: clinical testing. Allele origin: germline.
Comment: This sequence change replaces proline, which is neutral and non-polar, with threonine, which is neutral and polar, at codon 45 of the KMT2A protein (p.Pro45Thr). The frequency data for this variant in the population databases is considered unreliable, as metrics indicate insufficient coverage at this position in the gnomAD database. This variant has not been reported in the literature in individuals affected with KMT2A-related conditions. Advanced modeling of protein sequence and biophysical properties (such as structural, functional, and spatial information, amino acid conservation, physicochemical variation, residue mobility, and thermodynamic stability) has been performed at Invitae for this missense variant, however the output from this modeling did not meet the statistical confidence thresholds required to predict the impact of this variant on KMT2A protein function. In summary, the available evidence is currently insufficient to determine the role of this variant in disease. Therefore, it has been classified as a Variant of Uncertain Significance.

NM_001197104.2(KMT2A):c.133C>A (p.Pro45Thr)

Gene: KMT2A (lysine methyltransferase 2A; plus strand). Cytogenetic location: 11q23.3.
Variant type: single nucleotide variant.
Coding change: c.133C>A on transcript NM_001197104.2 (MANE Select); coding-DNA position 133, C replaced by A.
Protein change: p.Pro45Thr; replaces proline 45 with threonine.
Molecular consequence: missense variant.
Genome position (GRCh38, 1-based): chr11:118,436,645, C>A. VCF-style: chr11-118436645-C-A. GRCh37 (hg19) VCF-style: chr11-118307360-C-A.
Other names: c.133C>A, p.Pro45Thr (NM_001412597.1, NM_005933.4); short protein forms P45T.
Identifiers: ClinVar variation 2693503 (VCV002693503.4), dbSNP rs1949186581, ClinGen allele CA382797317.